The following is an entry in ClinVar:

ClinVar aggregate classification (germline): Uncertain significance. Review status: criteria provided, multiple submitters, no conflicts (2 of 4 stars). 2 submissions from 2 submitters: Uncertain significance (2). Last evaluated 2025-08-15.

Conditions:
Hereditary cancer-predisposing syndrome. Also called: Tumor predisposition; Hereditary Cancer Syndrome; Neoplastic Syndromes, Hereditary; Hereditary neoplastic syndrome. Identifiers: Orphanet 140162, MedGen C0027672, MeSH D009386, MONDO:0015356.

Submissions (2):

GeneDx
Classification: Uncertain significance. Last evaluated: 2025-08-15. Review status: criteria provided, single submitter. Criteria: GeneDx Variant Classification Process June 2021. Collection method: clinical testing. Allele origin: germline. Affected: yes.
Comment: Not observed at significant frequency in large population cohorts (gnomAD); In silico analysis suggests that this missense variant does not alter protein structure/function; Has not been previously published as pathogenic or benign to our knowledge; This variant is associated with the following publications: (PMID: 23532176)

Ambry Genetics
Classification: Uncertain significance for Hereditary cancer-predisposing syndrome. Last evaluated: 2024-11-24. Review status: criteria provided, single submitter. Criteria: Ambry Variant Classification Scheme 2023. Collection method: clinical testing. Allele origin: germline.
Comment: The p.P2029A variant (also known as c.6085C>G), located in coding exon 40 of the ATM gene, results from a C to G substitution at nucleotide position 6085. The proline at codon 2029 is replaced by alanine, an amino acid with highly similar properties. This amino acid position is conserved. In addition, this alteration is predicted to be tolerated by in silico analysis. Based on the available evidence, the clinical significance of this variant remains unclear.

NM_000051.4(ATM):c.6085C>G (p.Pro2029Ala)

Genes: ATM (ATM serine/threonine kinase; plus strand), C11orf65 (chromosome 11 open reading frame 65; minus strand). Cytogenetic location: 11q22.3.
Variant type: single nucleotide variant.
Coding change: c.6085C>G on transcript NM_000051.4 (MANE Select); coding-DNA position 6085, C replaced by G.
Protein change: p.Pro2029Ala; replaces proline 2029 with alanine.
Molecular consequence: missense variant. On other transcripts: intron variant (2).
Genome position (GRCh38, 1-based): chr11:108,315,901, C>G. VCF-style: chr11-108315901-C-G. GRCh37 (hg19) VCF-style: chr11-108186628-C-G.
Other names: c.6085C>G, p.Pro2029Ala (NM_001351834.2); c.641-6830G>C (NM_001330368.2); c.*39-6830G>C (NM_001351110.2); short protein forms P2029A.
Identifiers: ClinVar variation 3452914 (VCV003452914.2).